The following is an entry in ClinVar:

NM_000492.4(CFTR):c.3940G>T (p.Glu1314Ter)

Gene: CFTR (CF transmembrane conductance regulator; plus strand). Cytogenetic location: 7q31.2.
Variant type: single nucleotide variant.
Coding change: c.3940G>T on transcript NM_000492.4 (MANE Select); coding-DNA position 3940, G replaced by T.
Protein change: p.Glu1314Ter; replaces glutamic acid 1314 with a stop codon.
Molecular consequence: nonsense.
Genome position (GRCh38, 1-based): chr7:117,652,908, G>T. VCF-style: chr7-117652908-G-T. GRCh37 (hg19) VCF-style: chr7-117292962-G-T.
Other names: short protein forms E1314*.
Identifiers: ClinVar variation 3613669 (VCV003613669.2).

ClinVar aggregate classification (germline): Pathogenic (1 of 4 stars; one submission).

Conditions:
Cystic fibrosis (CF). Also called: MUCOVISCIDOSIS. Identifiers: Orphanet 586, MedGen C0010674, MONDO:0009061, OMIM 219700. Disease mechanism: loss of function.

Submission:

Labcorp Genetics (formerly Invitae), Labcorp
Classification: Pathogenic for Cystic fibrosis. Last evaluated: 2024-04-26. Review status: criteria provided, single submitter. Criteria: Invitae Variant Classification Sherloc (09022015). Collection method: clinical testing. Allele origin: germline.
Comment: This sequence change creates a premature translational stop signal (p.Glu1314*) in the CFTR gene. It is expected to result in an absent or disrupted protein product. Loss-of-function variants in CFTR are known to be pathogenic (PMID: 1695717, 7691345, 9725922). This variant is not present in population databases (gnomAD no frequency). This variant has not been reported in the literature in individuals affected with CFTR-related conditions. For these reasons, this variant has been classified as Pathogenic.

Literature cited by the submitters: PubMed 1695717; PubMed 7691345; PubMed 9725922.